The following is an entry in ClinVar:

ClinVar aggregate classification (germline): Pathogenic (1 of 4 stars; one submission).

Conditions:
Joubert syndrome. Also called: CEREBELLOPARENCHYMAL DISORDER IV; JOUBERT-BOLTSHAUSER SYNDROME; Familial aplasia of the vermis. Identifiers: Orphanet 475, MedGen C5979921, MONDO:0018772.

Allele frequency attached by ClinVar (database versions not stated): gnomAD exomes below 0.00001; ExAC 0.00001; gnomAD 0.00001; TOPMed 0.00001.

Submission:

Labcorp Genetics (formerly Invitae), Labcorp
Classification: Pathogenic for Joubert syndrome. Last evaluated: 2025-07-29. Review status: criteria provided, single submitter. Criteria: Invitae Variant Classification Sherloc (09022015). Collection method: clinical testing. Allele origin: germline.
Comment: This sequence change creates a premature translational stop signal (p.His1048*) in the AHI1 gene. It is expected to result in an absent or disrupted protein product. Loss-of-function variants in AHI1 are known to be pathogenic (PMID: 15322546, 16453322, 28442542, 29186038). This variant is present in population databases (rs759523949, gnomAD 0.007%). This variant has not been reported in the literature in individuals affected with AHI1-related conditions. ClinVar contains an entry for this variant (Variation ID: 2719324). For these reasons, this variant has been classified as Pathogenic.

Literature cited by the submitters: PubMed 15322546; PubMed 16453322; PubMed 28442542; PubMed 29186038.

NM_001134831.2(AHI1):c.3138_3141dup (p.His1048Ter)

Gene: AHI1 (Abelson helper integration site 1; minus strand). Cytogenetic location: 6q23.3.
Variant type: Duplication.
Coding change: c.3138_3141dup on transcript NM_001134831.2 (MANE Select); coding-DNA positions 3138 to 3141, 4 bases duplicated (TAAC; older notation c.3138_3141dupTAAC).
Protein change: p.His1048Ter; replaces histidine 1048 with a stop codon.
Molecular consequence: nonsense.
Genome position (GRCh38, 1-based): chr6:135,358,156-135,358,159, GTTA duplicated on the plus strand (TAAC on the coding strand, the reverse complement: AHI1 is on the minus strand). VCF-style (leftmost placement, unchanged base first): chr6-135358155-G-GGTTA. GRCh37 (hg19) VCF-style: chr6-135679293-G-GGTTA.
Other names: c.3138_3141dup, p.His1048Ter (NM_001134830.2, NM_001350503.2, NM_001350504.2 and 1 more transcripts); short protein forms H1048*.
Identifiers: ClinVar variation 2719324 (VCV002719324.3), dbSNP rs759523949, ClinGen allele CA4012101.